The following is an entry in ClinVar:

NM_002691.4(POLD1):c.194T>A (p.Val65Asp)

Gene: POLD1 (DNA polymerase delta 1, catalytic subunit; plus strand). Cytogenetic location: 19q13.33.
Variant type: single nucleotide variant.
Coding change: c.194T>A on transcript NM_002691.4 (MANE Select); coding-DNA position 194, T replaced by A.
Protein change: p.Val65Asp; replaces valine 65 with aspartic acid.
Molecular consequence: missense variant. On other transcripts: non-coding transcript variant (1).
Genome position (GRCh38, 1-based): chr19:50,399,045, T>A. VCF-style: chr19-50399045-T-A. GRCh37 (hg19) VCF-style: chr19-50902302-T-A.
Other names: c.194T>A, p.Val65Asp (NM_001256849.1, NM_001308632.1, NM_001438210.1 and 3 more transcripts); short protein forms V65D.
Identifiers: ClinVar variation 5020565 (VCV005020565.1).

ClinVar aggregate classification (germline): Uncertain significance (1 of 4 stars; one submission).

Submission:

Dasa
Classification: Uncertain significance. Last evaluated: 2026-05-15. Review status: criteria provided, single submitter. Criteria: DASA Assertion Criteria. Collection method: clinical testing. Allele origin: germline.
Comment: NM_002691.4(POLD1):c.194T>A (p.Val65Asp) is a missense variant that results in the substitution of valine with aspartic acid. This variant is rare in population databases. Computational prediction algorithms are consistent with a benign effect. The currently available literature and clinical evidence are not sufficient to establish a definitive association between this variant and the reported condition. Therefore, this variant is classified as a variant of uncertain significance.